The following is an entry in ClinVar:

NM_000038.6(APC):c.5978del (p.Pro1993fs)

Gene: APC (APC regulator of Wnt signaling pathway; plus strand). Cytogenetic location: 5q22.2.
Variant type: Deletion.
Coding change: c.5978del on transcript NM_000038.6 (MANE Select); coding-DNA position 5978, one base deleted (C; older notation c.5978delC).
Protein change: p.Pro1993fs; shifts the reading frame from proline 1993.
Molecular consequence: frameshift variant.
Genome position (GRCh38, 1-based): chr5:112,841,572, C deleted; the last of 5 consecutive C bases (chr5:112,841,568-112,841,572); deleting any one gives the same sequence. VCF-style (leftmost placement, unchanged base first): chr5-112841567-GC-G. GRCh37 (hg19) VCF-style: chr5-112177264-GC-G.
Other names: c.5978delC (NM_000038.5); c.5978del (NM_000038.5); c.5978del, p.Pro1993fs (NM_001127510.3, NM_001354895.2); c.5924del, p.Pro1975fs (NM_001127511.3); c.6032del, p.Pro2011fs (NM_001354896.2); c.6008del, p.Pro2003fs (NM_001354897.2); c.5903del, p.Pro1968fs (NM_001354898.2); c.5894del, p.Pro1965fs (NM_001354899.2); and 7 more; short protein forms P1833fs, P1902fs, P1952fs, P1965fs, P2003fs, P1934fs, P1867fs, P1975fs.
Identifiers: ClinVar variation 433672 (VCV000433672.14), dbSNP rs1554087123, ClinGen allele CA645372801.
Genomic context (GRCh38, chr5:112,841,567, plus strand): 5'-TCTCAGTGACATTGACCAAGAAAACAACAATAAAGAAAATGAACCTATCAAAGAGACTGA[GC>G]CCCCTGACTCACAGGGAGAACCAAGTAAACCTCAAGCATCAGGCTATGCTCCTAAATCAT-3'

ClinVar aggregate classification (germline): Pathogenic. Review status: criteria provided, multiple submitters, no conflicts (2 of 4 stars). 4 submissions from 4 submitters: Pathogenic (3). 1 of the submissions does not count toward it. Last evaluated 2025-02-24.

Conditions:
Familial adenomatous polyposis 1 (FAP1). Also called: FAMILIAL ADENOMATOUS POLYPOSIS 1, ATTENUATED; POLYPOSIS, ADENOMATOUS INTESTINAL. Identifiers: MedGen C2713442, MONDO:0021056, OMIM 175100. Disease mechanism: loss of function.
Carcinoma of colon (CRC). Also called: Colon carcinoma; Colonic carcinoma. Identifiers: MedGen C0699790, MONDO:0002032.

Submissions (4):

Quest Diagnostics Nichols Institute San Juan Capistrano
Classification: Pathogenic. Last evaluated: 2025-02-24. Review status: criteria provided, single submitter. Criteria: Quest Diagnostics criteria. Collection method: clinical testing. Allele origin: unknown.
Comment: The APC c.5978del (p.Pro1993Leufs*51) variant alters the translational reading frame of the APC mRNA and causes the premature termination of APC protein synthesis. This variant has been reported in the published literature in an individual with polyposis (PMID: 20223039 (2005)). This variant has not been reported in large, multi-ethnic general populations (Genome Aggregation Database). Based on the available information, this variant is classified as pathogenic.

Labcorp Genetics (formerly Invitae), Labcorp
Classification: Pathogenic for Familial adenomatous polyposis 1. Last evaluated: 2024-04-29. Review status: criteria provided, single submitter. Criteria: Invitae Variant Classification Sherloc (09022015). Collection method: clinical testing. Allele origin: germline.
Comment: This sequence change creates a premature translational stop signal (p.Pro1993Leufs*51) in the APC gene. While this is not anticipated to result in nonsense mediated decay, it is expected to disrupt the last 851 amino acid(s) of the APC protein. This variant is not present in population databases (gnomAD no frequency). This premature translational stop signal has been observed in individual(s) with clinical features of familial adenomatous polyposis (PMID: 20223039). ClinVar contains an entry for this variant (Variation ID: 433672). This variant is expected to disrupt the EB1 and HDLG binding sites, which mediate interactions with the cytoskeleton (PMID: 15311282, 17293347). While functional studies have not been performed to directly test the effect on APC protein function, this suggests that disruption of the C-terminal portion of the protein is functionally important. A different truncation (p.Tyr2645Lysfs*14) that lies downstream of this variant has been determined to be pathogenic (PMID: 9824584, 1316610, 27081525, 8381579, 22135120, Invitae). This suggests that deletion of this region of the APC protein is causative of disease. For these reasons, this variant has been classified as Pathogenic.

Myriad Genetics, Inc.
Classification: Pathogenic for Familial adenomatous polyposis 1. Last evaluated: 2023-05-15. Review status: criteria provided, single submitter. Criteria: Myriad Autosomal Dominant, Autosomal Recessive and X-Linked Classification Criteria (2023). Collection method: clinical testing. Allele origin: unknown.
Comment: This variant is considered pathogenic. This variant creates a frameshift predicted to result in premature protein truncation.

Department of Pathology and Laboratory Medicine, Sinai Health System
Classification: Pathogenic for Carcinoma of colon. Review status: no assertion criteria provided. Collection method: clinical testing. Allele origin: unknown. Affected: yes. Study: The Canadian Open Genetics Repository (COGR). Not counted in ClinVar's aggregate classification.
Comment: The p.Pro1993LeufsX51 deletion was not previously identified in the literature nor by our laboratory. This deletion is predicted to cause a frameshift, which alters the protein's amino acid sequence beginning at codon 1993 and leads to a premature stop codon 51 codons downstream. This alteration is then predicted to lead to a truncated or absent protein and loss of function. Loss of function variants of the APC gene are an established mechanism of disease in familial adenomatous polyposis. In summary based on the above information, this deletion is classified as pathogenic.

Literature cited by the submitters: PubMed 20223039 (cited by Quest Diagnostics Nichols Institute San Juan Capistrano and Labcorp Genetics (formerly Invitae), Labcorp); PubMed 15311282 (cited by Labcorp Genetics (formerly Invitae), Labcorp); PubMed 17293347 (cited by Labcorp Genetics (formerly Invitae), Labcorp); PubMed 9824584 (cited by Labcorp Genetics (formerly Invitae), Labcorp); PubMed 1316610 (cited by Labcorp Genetics (formerly Invitae), Labcorp); PubMed 27081525 (cited by Labcorp Genetics (formerly Invitae), Labcorp); PubMed 8381579 (cited by Labcorp Genetics (formerly Invitae), Labcorp); PubMed 22135120 (cited by Labcorp Genetics (formerly Invitae), Labcorp).